The following is an entry in ClinVar:

ClinVar aggregate classification (germline): Benign (1 of 4 stars; one submission).

gnomAD v4.1: 2,216 of 1,596,118 alleles (0.14%); highest among the groups gnomAD compares: South Asian, 2.4%; 55 homozygotes.

Submission:

Mayo Clinic Laboratories, Mayo Clinic
Classification: Benign. Last evaluated: 2023-04-28. Review status: criteria provided, single submitter. Criteria: ACMG Guidelines, 2015. Collection method: clinical testing. Allele origin: germline. Observed: 3 variant alleles.
Comment: BS1, BS2, BP4, BP7

NM_001080421.3(UNC13A):c.4017C>T (p.Ser1339=)

Gene: UNC13A (unc-13 homolog A; minus strand). Cytogenetic location: 19p13.11.
Variant type: single nucleotide variant.
Coding change: c.4017C>T on transcript NM_001080421.3 (MANE Select); coding-DNA position 4017, C replaced by T.
Protein change: p.Ser1339=; no amino-acid change (serine 1339 retained).
Molecular consequence: synonymous variant.
Genome position (GRCh38, 1-based): chr19:17,626,689, G>A on the plus strand (C>T on the coding strand, the complement: UNC13A is on the minus strand). VCF-style: chr19-17626689-G-A. GRCh37 (hg19) VCF-style: chr19-17737498-G-A.
Other names: p.Ser1339=; c.4011C>T, p.Ser1337= (NM_001387021.1, NM_001387023.1); c.4008C>T, p.Ser1336= (NM_001387022.1).
Identifiers: ClinVar variation 4684349 (VCV004684349.1).